The following is an entry in ClinVar:

ClinVar aggregate classification (germline): Pathogenic. Review status: reviewed by expert panel (3 of 4 stars). 5 submissions from 5 submitters: Pathogenic (1). 4 of the submissions do not count toward it. Last evaluated 2016-09-08.

Conditions:
Hereditary cancer-predisposing syndrome. Also called: Hereditary Cancer Syndrome; Hereditary neoplastic syndrome; Neoplastic Syndromes, Hereditary; Tumor predisposition. Identifiers: Orphanet 140162, MedGen C0027672, MeSH D009386, MONDO:0015356.
Breast-ovarian cancer, familial, susceptibility to, 1 (BROVCA1). Also called: BRCA1 Hereditary Breast and Ovarian Cancer; OVARIAN CANCER, SUSCEPTIBILITY TO. Identifiers: Orphanet 145, MedGen C2676676, MONDO:0011450, OMIM 604370. Disease mechanism: loss of function.
Hereditary breast ovarian cancer syndrome. Also called: BRCA1- and BRCA2-Associated Hereditary Breast and Ovarian Cancer; Hereditary breast and ovarian cancer syndrome; Hereditary breast and ovarian cancer syndrome (HBOC); Breast and ovarian cancer; Hereditary breast and/or ovarian cancer syndrome; Hereditary breast and ovarian cancer. Identifiers: Orphanet 145, MedGen C0677776, MeSH D061325, MONDO:0003582. Disease mechanism: loss of function.

Submissions (5):

Evidence-based Network for the Interpretation of Germline Mutant Alleles (ENIGMA)
Classification: Pathogenic for Breast-ovarian cancer, familial, susceptibility to, 1. Last evaluated: 2016-09-08. Review status: reviewed by expert panel. Criteria: ENIGMA BRCA1/2 Classification Criteria (2015). Collection method: curation. Allele origin: germline.
Comment: Variant allele predicted to encode a truncated non-functional protein.

Labcorp Genetics (formerly Invitae), Labcorp
Classification: Pathogenic for Hereditary breast ovarian cancer syndrome. Last evaluated: 2018-05-16. Review status: criteria provided, single submitter. Criteria: Invitae Variant Classification Sherloc (09022015). Collection method: clinical testing. Allele origin: germline. Not counted in ClinVar's aggregate classification.
Comment: For these reasons, this variant has been classified as Pathogenic. Loss-of-function variants in BRCA1 are known to be pathogenic (PMID: 20104584). This variant has been reported in individuals in the Leiden Open-source Variation Database (PMID: 21520333) and Breast Cancer Information Core database (PMID: 10923033). ClinVar contains an entry for this variant (Variation ID: 55059). This variant is not present in population databases (ExAC no frequency). This sequence change creates a premature translational stop signal (p.Lys1322*) in the BRCA1 gene. It is expected to result in an absent or disrupted protein product.

Women's Health and Genetics/Laboratory Corporation of America, LabCorp
Classification: Likely pathogenic for Hereditary breast ovarian cancer syndrome. Last evaluated: 2017-02-13. Review status: criteria provided, single submitter. Criteria: LabCorp Variant Classification Summary - May 2015. Collection method: clinical testing. Allele origin: germline. Not counted in ClinVar's aggregate classification.
Comment: Variant summary: The BRCA1 c.3964A>T (p.Lys1322X) variant results in a premature termination codon, predicted to cause a truncated or absent BRCA1 protein due to nonsense mediated decay, which are commonly known mechanisms for disease. Truncations downstream of this position have been classified as pathogenic by our laboratory (e.g. c.3972_3974delinsAA, c.4035delA, c.4041_4042delAG, c.4065_4068delTCAA, c.4096+3A>G). Mutation Taster predicts a damaging outcome for this variant. This variant is absent in 121396 control chromosomes. In addition, multiple clinical diagnostic laboratories/reputable databases classified this variant as pathogenic. The variant of interest has not, to our knowledge, been reported in affected individuals via publications nor evaluated for functional impact by in vivo/vitro studies. Taken together, this variant is classified as likely pathogenic.

Ambry Genetics
Classification: Pathogenic for Hereditary cancer-predisposing syndrome. Last evaluated: 2016-10-21. Review status: criteria provided, single submitter. Criteria: Ambry Variant Classification Scheme 2023. Collection method: clinical testing. Allele origin: germline. Not counted in ClinVar's aggregate classification.
Comment: The p.K1322* pathogenic mutation (also known as c.3964A>T), located in coding exon 9 of the BRCA1 gene, results from an A to T substitution at nucleotide position 3964. This changes the amino acid from a lysine to a stop codon within coding exon 9. This alteration is expected to result in loss of function by premature protein truncation or nonsense-mediated mRNA decay. As such, this alteration is interpreted as a disease-causing mutation.

Breast Cancer Information Core (BIC) (BRCA1)
Classification: Pathogenic for Breast-ovarian cancer, familial 1. Last evaluated: 2002-05-29. Review status: no assertion criteria provided. Collection method: clinical testing. Allele origin: germline. Affected: yes. Observed: 1 variant allele. Not counted in ClinVar's aggregate classification.

Literature cited by the submitters: PubMed 20104584 (cited by Labcorp Genetics (formerly Invitae), Labcorp); PubMed 21520333 (cited by Labcorp Genetics (formerly Invitae), Labcorp); PubMed 10923033 (cited by Labcorp Genetics (formerly Invitae), Labcorp).

NM_007294.4(BRCA1):c.3964A>T (p.Lys1322Ter)

Genes: BRCA1 (BRCA1 DNA repair associated; minus strand), LOC126862571 (BRD4-independent group 4 enhancer GRCh37_chr17:41243136-41244335; plus strand). Cytogenetic location: 17q21.31.
Variant type: single nucleotide variant.
Coding change: c.3964A>T on transcript NM_007294.4 (MANE Select); coding-DNA position 3964, A replaced by T.
Protein change: p.Lys1322Ter; replaces lysine 1322 with a stop codon.
Molecular consequence: nonsense. On other transcripts: intron variant (135).
Genome position (GRCh38, 1-based): chr17:43,091,567, T>A on the plus strand (A>T on the coding strand, the complement: BRCA1 is on the minus strand). VCF-style: chr17-43091567-T-A. GRCh37 (hg19) VCF-style: chr17-41243584-T-A.
Other names: c.665-535A>T (NM_001408442.1, NM_001408426.1, NM_001408436.1 and 12 more transcripts); c.788-535A>T (NM_001407982.1, NM_001407970.1, NM_001407980.1 and 17 more transcripts); c.3964A>T, p.Lys1322Ter (NM_001407583.1, NM_001407585.1, NM_001407593.1 and 30 more transcripts); c.3961A>T, p.Lys1321Ter (NM_001407587.1, NM_001407590.1, NM_001407591.1 and 22 more transcripts); c.3751A>T, p.Lys1251Ter (NM_001407571.1, NM_001407853.1, NM_001407894.1 and 9 more transcripts); c.3955A>T, p.Lys1319Ter (NM_001407646.1, NM_001407647.1); c.3841A>T, p.Lys1281Ter (NM_001407648.1, NM_001407664.1, NM_001407665.1 and 19 more transcripts); c.3838A>T, p.Lys1280Ter (NM_001407649.1, NM_001407670.1, NM_001407671.1 and 11 more transcripts); and 41 more; short protein forms K1322*, K1275*, K1194*, K1233*, K1251*, K1255*, K1274*, K1295*.
Identifiers: ClinVar variation 55059 (VCV000055059.16), dbSNP rs80357343, ClinGen allele CA002537.